The following is an entry in ClinVar:

ClinVar aggregate classification (germline): Uncertain significance. Review status: criteria provided, multiple submitters, no conflicts (2 of 4 stars). 2 submissions from 2 submitters: Uncertain significance (2). Last evaluated 2024-03-20.

Conditions:
Hemorrhage, intracerebral, susceptibility to (ICH). Also called: Stroke, hemorrhagic, susceptibility to. Identifiers: MedGen C3281105, MONDO:0100533, OMIM 614519.
Microvascular complications of diabetes, susceptibility to, 3. Identifiers: MedGen C2675470, MONDO:0012963, OMIM 612624.
Renal tubular dysgenesis of genetic origin. Also called: PRIMITIVE RENAL TUBULE SYNDROME. Identifiers: Orphanet 97369, MedGen C5681536, MONDO:0009970, OMIM 267430.

Allele frequency attached by ClinVar (database versions not stated): ExAC 0.00001; TOPMed 0.00001; gnomAD 0.00002.
gnomAD v4.1: 12 of 1,614,104 alleles (0.00074%); highest among the groups gnomAD compares: African/African-American, 0.0093%; no homozygotes.

Submissions (2):

Fulgent Genetics
Classification: Uncertain significance for Renal tubular dysgenesis of genetic origin; Microvascular complications of diabetes, susceptibility to, 3; Hemorrhage, intracerebral, susceptibility to. Last evaluated: 2024-03-20. Review status: criteria provided, single submitter. Criteria: ACMG Guidelines, 2015. Collection method: clinical testing. Allele origin: germline.

Labcorp Genetics (formerly Invitae), Labcorp
Classification: Uncertain significance. Last evaluated: 2022-07-27. Review status: criteria provided, single submitter. Criteria: Invitae Variant Classification Sherloc (09022015). Collection method: clinical testing. Allele origin: germline.
Comment: This sequence change replaces lysine, which is basic and polar, with glutamic acid, which is acidic and polar, at codon 922 of the ACE protein (p.Lys922Glu). This variant is present in population databases (rs551723440, gnomAD 0.007%). This variant has not been reported in the literature in individuals affected with ACE-related conditions. Algorithms developed to predict the effect of missense changes on protein structure and function output the following: SIFT: "Tolerated"; PolyPhen-2: "Benign"; Align-GVGD: "Class C0". The glutamic acid amino acid residue is found in multiple mammalian species, which suggests that this missense change does not adversely affect protein function. In summary, the available evidence is currently insufficient to determine the role of this variant in disease. Therefore, it has been classified as a Variant of Uncertain Significance.

NM_000789.4(ACE):c.2764A>G (p.Lys922Glu)

Gene: ACE (angiotensin I converting enzyme; plus strand). Cytogenetic location: 17q23.3.
Variant type: single nucleotide variant.
Coding change: c.2764A>G on transcript NM_000789.4 (MANE Select); coding-DNA position 2764, A replaced by G.
Protein change: p.Lys922Glu; replaces lysine 922 with glutamic acid.
Molecular consequence: missense variant. On other transcripts: non-coding transcript variant (1).
Genome position (GRCh38, 1-based): chr17:63,491,233, A>G. VCF-style: chr17-63491233-A-G. GRCh37 (hg19) VCF-style: chr17-61568594-A-G.
Other names: c.1042A>G, p.Lys348Glu (NM_001178057.2, NM_152830.3); c.2197A>G, p.Lys733Glu (NM_001382700.1); c.1912A>G, p.Lys638Glu (NM_001382701.1); c.502A>G, p.Lys168Glu (NM_001382702.1); short protein forms K348E, K168E, K733E, K638E, K922E.
Identifiers: ClinVar variation 1917795 (VCV001917795.3), dbSNP rs551723440, ClinGen allele CA8700258.